The following is an entry in ClinVar:

NM_020435.4(GJC2):c.368C>A (p.Ala123Glu)

Gene: GJC2 (gap junction protein gamma 2; plus strand). Cytogenetic location: 1q42.13.
Variant type: single nucleotide variant.
Coding change: c.368C>A on transcript NM_020435.4 (MANE Select); coding-DNA position 368, C replaced by A.
Protein change: p.Ala123Glu; replaces alanine 123 with glutamic acid.
Molecular consequence: missense variant.
Genome position (GRCh38, 1-based): chr1:228,158,126, C>A. VCF-style: chr1-228158126-C-A. GRCh37 (hg19) VCF-style: chr1-228345827-C-A.
Other names: short protein forms A123E.
Identifiers: ClinVar variation 2732097 (VCV002732097.1), dbSNP rs1336082527, ClinGen allele CA345097577.
Genomic context (GRCh38, chr1:228,158,126, plus strand): 5'-CCCGTGCGTCTGAGCAGGAGCGGCGCCGCGCCCTCCGCCGCCGCCCGGGGCCACGCCGCG[C>A]GCCCCGAGCGCACCTGCCGCCCCCGCACGCCGGCTGGCCTGAGCCCGCCGACCTGGGCGA-3'
Protein context (NP_065168.2, residues 113-133): ALRRRPGPRR[Ala123Glu]PRAHLPPPHA

ClinVar aggregate classification (germline): Uncertain significance (1 of 4 stars; one submission).

Conditions:
Spastic paraplegia. Identifiers: MedGen C0037772, HP:0001258.

Allele frequency attached by ClinVar (database versions not stated): gnomAD 0.00002; TOPMed 0.00002.

Submission:

Labcorp Genetics (formerly Invitae), Labcorp
Classification: Uncertain significance for Spastic paraplegia. Last evaluated: 2023-08-27. Review status: criteria provided, single submitter. Criteria: Invitae Variant Classification Sherloc (09022015). Collection method: clinical testing. Allele origin: germline.
Comment: This sequence change replaces alanine, which is neutral and non-polar, with glutamic acid, which is acidic and polar, at codon 123 of the GJC2 protein (p.Ala123Glu). This variant is not present in population databases (gnomAD no frequency). This variant has not been reported in the literature in individuals affected with GJC2-related conditions. Advanced modeling of protein sequence and biophysical properties (such as structural, functional, and spatial information, amino acid conservation, physicochemical variation, residue mobility, and thermodynamic stability) has been performed at Invitae for this missense variant, however the output from this modeling did not meet the statistical confidence thresholds required to predict the impact of this variant on GJC2 protein function. In summary, the available evidence is currently insufficient to determine the role of this variant in disease. Therefore, it has been classified as a Variant of Uncertain Significance.